The following is an entry in ClinVar:

NM_001080512.3(BICC1):c.2105C>T (p.Ala702Val)

Gene: BICC1 (BicC family RNA binding protein 1; plus strand). Cytogenetic location: 10q21.1.
Variant type: single nucleotide variant.
Coding change: c.2105C>T on transcript NM_001080512.3 (MANE Select); coding-DNA position 2105, C replaced by T.
Protein change: p.Ala702Val; replaces alanine 702 with valine.
Molecular consequence: missense variant.
Genome position (GRCh38, 1-based): chr10:58,803,166, C>T. VCF-style: chr10-58803166-C-T. GRCh37 (hg19) VCF-style: chr10-60562926-C-T.
Other names: short protein forms A702V.
Identifiers: ClinVar variation 4809429 (VCV004809429.1).

ClinVar aggregate classification (germline): Uncertain significance (1 of 4 stars; one submission).

gnomAD v4.1: 2 of 1,611,808 alleles (0.00012%); highest among the groups gnomAD compares: African/African-American, 0.0013%; no homozygotes.

Submission:

Labcorp Genetics (formerly Invitae), Labcorp
Classification: Uncertain significance. Last evaluated: 2025-06-13. Review status: criteria provided, single submitter. Criteria: Invitae Variant Classification Sherloc (09022015). Collection method: clinical testing. Allele origin: germline.
Comment: This sequence change replaces alanine, which is neutral and non-polar, with valine, which is neutral and non-polar, at codon 702 of the BICC1 protein (p.Ala702Val). This variant is not present in population databases (gnomAD no frequency). This variant has not been reported in the literature in individuals affected with BICC1-related conditions. An algorithm developed to predict the effect of missense changes on protein structure and function (PolyPhen-2) suggests that this variant is likely to be disruptive. In summary, the available evidence is currently insufficient to determine the role of this variant in disease. Therefore, it has been classified as a Variant of Uncertain Significance.